The following is an entry in ClinVar:

NM_001750.7(CAST):c.1122C>T (p.Leu374=)

Gene: CAST (calpastatin; plus strand). Cytogenetic location: 5q15.
Variant type: single nucleotide variant.
Coding change: c.1122C>T on transcript NM_001750.7 (MANE Select); coding-DNA position 1122, C replaced by T.
Protein change: p.Leu374=; no amino-acid change (leucine 374 retained).
Molecular consequence: synonymous variant.
Genome position (GRCh38, 1-based): chr5:96,742,678, C>T. VCF-style: chr5-96742678-C-T. GRCh37 (hg19) VCF-style: chr5-96078382-C-T.
Other names: c.999C>T, p.Leu333= (NM_001042440.5, NM_001330627.2); c.1065C>T, p.Leu355= (NM_001042441.3); c.1056C>T, p.Leu352= (NM_001042442.3, NM_001329966.1); c.873C>T, p.Leu291= (NM_001042443.3, NM_001423250.1); c.750C>T, p.Leu250= (NM_001042444.3, NM_001284212.4); c.768C>T, p.Leu256= (NM_001042445.3, NM_001423255.1, NM_001423256.1 and 3 more transcripts); c.711C>T, p.Leu237= (NM_001042446.3, NM_001330630.2, NM_001423260.1); c.834C>T, p.Leu278= (NM_001190442.2, NM_001330631.2, NM_001423251.1 and 1 more transcripts); and 8 more.
Identifiers: ClinVar variation 3046165 (VCV003046165.13), dbSNP rs150538389, ClinGen allele CA3351122.

ClinVar aggregate classification (germline): Likely benign. Review status: criteria provided, multiple submitters, no conflicts (2 of 4 stars). 3 submissions from 3 submitters: Likely benign (2). 1 of the submissions does not count toward it. Last evaluated 2025-06-01.

Conditions:
CAST-related disorder. Also called: CAST-related condition.

Allele frequency attached by ClinVar (database versions not stated): TOPMed 0.00026; gnomAD 0.00028; ESP Exome Variant Server 0.00038; 1000 Genomes Project 0.00040; 1000 Genomes Project 30x 0.00062.
gnomAD v4.1: 524 of 1,613,438 alleles (0.032%); highest among the groups gnomAD compares: Non-Finnish European, 0.04%; 1 homozygote.

Submissions (3):

CeGaT Center for Human Genetics Tuebingen
Classification: Likely benign. Last evaluated: 2025-06-01. Review status: criteria provided, single submitter. Criteria: CeGaT Center For Human Genetics Tuebingen Variant Classification Criteria Version 2. Collection method: clinical testing. Allele origin: germline. Affected: yes. Observed: 1 variant allele.
Comment: CAST: BP4, BP7

Blueprint Genetics
Classification: Likely benign. Last evaluated: 2024-11-26. Review status: criteria provided, single submitter. Criteria: ACMG Guidelines, 2015. Collection method: clinical testing. Allele origin: germline.

PreventionGenetics, part of Exact Sciences
Classification: Likely benign for CAST-related condition. Last evaluated: 2019-10-28. Review status: no assertion criteria provided. Collection method: clinical testing. Allele origin: germline. Not counted in ClinVar's aggregate classification.
Comment: This variant is classified as likely benign based on ACMG/AMP sequence variant interpretation guidelines (Richards et al. 2015 PMID: 25741868, with internal and published modifications).